The following is an entry in ClinVar:

NM_080425.4(GNAS):c.1832T>A (p.Phe611Tyr)

Gene: GNAS (GNAS complex locus; plus strand). Cytogenetic location: 20q13.32.
Variant type: single nucleotide variant.
Coding change: c.1832T>A on transcript NM_080425.4 (MANE Plus Clinical); coding-DNA position 1832, T replaced by A.
Protein change: p.Phe611Tyr; replaces phenylalanine 611 with tyrosine.
Molecular consequence: missense variant. On other transcripts: intron variant (3).
Genome position (GRCh38, 1-based): chr20:58,855,097, T>A. VCF-style: chr20-58855097-T-A. GRCh37 (hg19) VCF-style: chr20-57430152-T-A.
Other names: c.1645T>A, p.Phe549Ile (NM_001077490.3, NM_001309883.1); c.1832T>A, p.Phe611Tyr (NM_001410913.1); c.*42+14211T>A (NM_016592.5); c.43+14211T>A (NM_001410912.1); c.-39+13222T>A (NM_001309861.2); short protein forms F549I, F611Y.
Identifiers: ClinVar variation 4850678 (VCV004850678.1).
Genomic context (GRCh38, chr20:58,855,097, plus strand): 5'-GGTTTCAGCATCGGCGAAATCGCCGCCGCCGAAAGCCCCAGCGCAACTTACTCCGCAACT[T>A]TCTCGTGCAAGCCTTCGGGGGCTGCTTCGGTCGATCTGAGAGTCCCCAGCCCAAAGCCTC-3'
Protein context (NP_536350.2, residues 601-621): RKPQRNLLRN[Phe611Tyr]LVQAFGGCFG

ClinVar aggregate classification (germline): Uncertain significance (1 of 4 stars; one submission).

Conditions:
Congenital hypothyroidism. Identifiers: Orphanet 442, MedGen C0010308, MONDO:0018612, HP:0000851.

Submission:

Cambridge Genomics Laboratory, East Genomic Laboratory Hub, NHS Genomic Medicine Service
Classification: Uncertain significance for Congenital hypothyroidism. Last evaluated: 2026-04-27. Review status: criteria provided, single submitter. Criteria: ACGS Best Practice Guidelines for Variant Classification in Rare Disease 2020. Collection method: clinical testing. Allele origin: germline. Affected: yes.
Comment: PM2,BP4